The following is an entry in ClinVar:

NM_000238.4(KCNH2):c.3017G>T (p.Gly1006Val)

Gene: KCNH2 (potassium voltage-gated channel subfamily H member 2; minus strand). Cytogenetic location: 7q36.1.
Variant type: single nucleotide variant.
Coding change: c.3017G>T on transcript NM_000238.4 (MANE Select); coding-DNA position 3017, G replaced by T.
Protein change: p.Gly1006Val; replaces glycine 1006 with valine.
Molecular consequence: missense variant. On other transcripts: non-coding transcript variant (2).
Genome position (GRCh38, 1-based): chr7:150,947,463, C>A on the plus strand (G>T on the coding strand, the complement: KCNH2 is on the minus strand). VCF-style: chr7-150947463-C-A. GRCh37 (hg19) VCF-style: chr7-150644551-C-A.
Other names: c.2729G>T, p.Gly910Val (NM_001406753.1); c.1997G>T, p.Gly666Val (NM_172057.3); short protein forms G1006V, G666V, G910V.
Identifiers: ClinVar variation 3070687 (VCV003070687.1), dbSNP rs774570498, ClinGen allele CA369852915.
Genomic context (GRCh38, chr7:150,947,463, plus strand): 5'-GGGATGTTGAGGAGGCTGGGGGTGGGGGCGGGGCATCGAGGGAGCTCCTGGTACTGGCGG[C>A]CCCGACTGTCCCCCCAGAAGCTGAAAATGTTGGACACTCCTGAGAAGGCGCCTGCAGCCA-3'
Protein context (NP_000229.1, residues 996-1016): NIFSFWGDSR[Gly1006Val]RQYQELPRCP

ClinVar aggregate classification (germline): Uncertain significance (1 of 4 stars; one submission).

Conditions:
Long QT syndrome (LQTS). Identifiers: MedGen C0023976, MeSH D008133, MONDO:0002442. Disease mechanism: loss of function. Inheritance: Various modes of inheritance.

Allele frequency attached by ClinVar (database versions not stated): gnomAD 0.00001.

Submission:

All of Us Research Program, National Institutes of Health
Classification: Uncertain significance for Long QT syndrome. Last evaluated: 2023-05-04. Review status: criteria provided, single submitter. Criteria: ACMG Guidelines, 2015. Collection method: clinical testing. Allele origin: germline. Inheritance: Autosomal dominant inheritance. Observed: 1 variant allele, 1 heterozygote.
Comment: This missense variant replaces glycine with valine at codon 1006 of the KCNH2 protein. Computational prediction suggests that this variant may have deleterious impact on protein structure and function (internally defined REVEL score threshold >= 0.7, PMID: 27666373). To our knowledge, functional studies have not been reported for this variant. This variant has not been reported in individuals affected with KCNH2-related disorders in the literature. This variant has been identified in 1/176468 chromosomes in the general population by the Genome Aggregation Database (gnomAD). The available evidence is insufficient to determine the role of this variant in disease conclusively. Therefore, this variant is classified as a Variant of Uncertain Significance.

This study involves interpretation of variants in research participants for the purpose of population health screening. Participant phenotype was not available at the time of variant classification. Additional details can be found in publication PMID: 35346344, PMCID: PMC8962531